The following is an entry in ClinVar:

NM_000038.6(APC):c.2635C>T (p.Gln879Ter)

Gene: APC (APC regulator of Wnt signaling pathway; plus strand). Cytogenetic location: 5q22.2.
Variant type: single nucleotide variant.
Coding change: c.2635C>T on transcript NM_000038.6 (MANE Select); coding-DNA position 2635, C replaced by T.
Protein change: p.Gln879Ter; replaces glutamine 879 with a stop codon.
Molecular consequence: nonsense.
Genome position (GRCh38, 1-based): chr5:112,838,229, C>T. VCF-style: chr5-112838229-C-T. GRCh37 (hg19) VCF-style: chr5-112173926-C-T.
Other names: c.2635C>T, p.Gln879Ter (NM_001127510.3, NM_001354895.2); c.2581C>T, p.Gln861Ter (NM_001127511.3); c.2689C>T, p.Gln897Ter (NM_001354896.2); c.2665C>T, p.Gln889Ter (NM_001354897.2); c.2560C>T, p.Gln854Ter (NM_001354898.2); c.2551C>T, p.Gln851Ter (NM_001354899.2); c.2512C>T, p.Gln838Ter (NM_001354900.2); c.2458C>T, p.Gln820Ter (NM_001354901.2); and 5 more; short protein forms Q861*, Q879*, Q778*, Q838*, Q788*, Q889*, Q897*, Q753*.
Identifiers: ClinVar variation 411399 (VCV000411399.14), dbSNP rs1060503287, ClinGen allele CA16027094.
Genomic context (GRCh38, chr5:112,838,229, plus strand): 5'-GGTCTAGGCAACTACCATCCAGCAACAGAAAATCCAGGAACTTCTTCAAAGCGAGGTTTG[C>T]AGATCTCCACCACTGCAGCCCAGATTGCCAAAGTCATGGAAGAAGTGTCAGCCATTCATA-3'

ClinVar aggregate classification (germline): Pathogenic. Review status: criteria provided, multiple submitters, no conflicts (2 of 4 stars). 3 submissions from 3 submitters: Pathogenic (3). Last evaluated 2025-11-24.
ClinVar aggregate classification (oncogenicity): Likely oncogenic (1 of 4 stars; one submission).

Conditions:
Familial adenomatous polyposis 1 (FAP1). Also called: POLYPOSIS, ADENOMATOUS INTESTINAL; FAMILIAL ADENOMATOUS POLYPOSIS 1, ATTENUATED. Identifiers: MedGen C2713442, MONDO:0021056, OMIM 175100. Disease mechanism: loss of function.
Hereditary cancer-predisposing syndrome. Also called: Hereditary neoplastic syndrome; Tumor predisposition; Neoplastic Syndromes, Hereditary; Hereditary Cancer Syndrome. Identifiers: Orphanet 140162, MedGen C0027672, MeSH D009386, MONDO:0015356.
Neoplasm. Also called: Neoplasms; Neoplasm (disease); tumor. Identifiers: MedGen C0027651, MeSH D009369, MONDO:0005070, HP:0002664.

Submissions (4):

Center for Genomic Medicine, Rigshospitalet, Copenhagen University Hospital
Classification: Likely oncogenic for Neoplasm. Last evaluated: 2026-10-16. Review status: criteria provided, single submitter. Criteria: ClinGen/CGC/VICC Guidelines for Oncogenicity, 2022. Collection method: clinical testing. Allele origin: somatic. Affected: yes.

Labcorp Genetics (formerly Invitae), Labcorp
Classification: Pathogenic for Familial adenomatous polyposis 1. Last evaluated: 2025-11-24. Review status: criteria provided, single submitter. Criteria: Invitae Variant Classification Sherloc (09022015). Collection method: clinical testing. Allele origin: germline.
Comment: This sequence change creates a premature translational stop signal (p.Gln879*) in the APC gene. While this is not anticipated to result in nonsense mediated decay, it is expected to disrupt the last 1965 amino acid(s) of the APC protein. This variant is not present in population databases (gnomAD no frequency). This premature translational stop signal has been observed in individual(s) with familial adenomatous polyposis (PMID: 10094547). ClinVar contains an entry for this variant (Variation ID: 411399). This variant is expected to disrupt the EB1 and HDLG binding sites, which mediate interactions with the cytoskeleton (PMID: 15311282, 17293347). While functional studies have not been performed to directly test the effect on APC protein function, this suggests that disruption of the C-terminal portion of the protein is functionally important. A different truncation (p.Tyr2645Lysfs*14) that lies downstream of this variant has been determined to be pathogenic (PMID: 9824584, 1316610, 27081525, 8381579, 22135120, internal data). This suggests that deletion of this region of the APC protein is causative of disease. For these reasons, this variant has been classified as Pathogenic.

Myriad Genetics, Inc.
Classification: Pathogenic for Familial adenomatous polyposis 1. Last evaluated: 2023-05-04. Review status: criteria provided, single submitter. Criteria: Myriad Autosomal Dominant, Autosomal Recessive and X-Linked Classification Criteria (2023). Collection method: clinical testing. Allele origin: unknown.
Comment: This variant is considered pathogenic. This variant creates a termination codon and is predicted to result in premature protein truncation.

Ambry Genetics
Classification: Pathogenic for Hereditary cancer-predisposing syndrome. Last evaluated: 2017-07-19. Review status: criteria provided, single submitter. Criteria: Ambry Variant Classification Scheme 2023. Collection method: clinical testing. Allele origin: germline.
Comment: The p.Q879* pathogenic mutation (also known as c.2635C>T), located in coding exon 15 of the APC gene, results from a C to T substitution at nucleotide position 2635. This changes the amino acid from a glutamine to a stop codon within coding exon 15. In addition to the clinical data presented in the literature, this alteration is expected to result in loss of function by premature protein truncation or nonsense-mediated mRNA decay. As such, this alteration is interpreted as a disease-causing mutation.

Literature cited by the submitters: PubMed 10094547 (cited by Labcorp Genetics (formerly Invitae), Labcorp and Ambry Genetics); PubMed 15311282 (cited by Labcorp Genetics (formerly Invitae), Labcorp); PubMed 17293347 (cited by Labcorp Genetics (formerly Invitae), Labcorp); PubMed 9824584 (cited by Labcorp Genetics (formerly Invitae), Labcorp); PubMed 1316610 (cited by Labcorp Genetics (formerly Invitae), Labcorp); PubMed 27081525 (cited by Labcorp Genetics (formerly Invitae), Labcorp); PubMed 8381579 (cited by Labcorp Genetics (formerly Invitae), Labcorp); PubMed 22135120 (cited by Labcorp Genetics (formerly Invitae), Labcorp).